The following is an entry in ClinVar:

ClinVar aggregate classification (germline): Uncertain significance. Review status: criteria provided, multiple submitters, no conflicts (2 of 4 stars). 2 submissions from 2 submitters: Uncertain significance (2). Last evaluated 2024-05-29.

Conditions:
Inborn genetic diseases. Identifiers: MedGen C0950123, MeSH D030342.

Allele frequency attached by ClinVar (database versions not stated): gnomAD exomes 0.00001.
gnomAD v4.1: 15 of 1,211,585 alleles (0.0012%); highest among the groups gnomAD compares: Non-Finnish European, 0.0017%; no homozygotes.

Submissions (2):

Ambry Genetics
Classification: Uncertain significance for Inborn genetic diseases. Last evaluated: 2024-05-29. Review status: criteria provided, single submitter. Criteria: Ambry Variant Classification Scheme 2023. Collection method: clinical testing. Allele origin: germline.

Labcorp Genetics (formerly Invitae), Labcorp
Classification: Uncertain significance. Last evaluated: 2022-10-13. Review status: criteria provided, single submitter. Criteria: Invitae Variant Classification Sherloc (09022015). Collection method: clinical testing. Allele origin: germline.
Comment: In summary, the available evidence is currently insufficient to determine the role of this variant in disease. Therefore, it has been classified as a Variant of Uncertain Significance. Advanced modeling of protein sequence and biophysical properties (such as structural, functional, and spatial information, amino acid conservation, physicochemical variation, residue mobility, and thermodynamic stability) performed at Invitae indicates that this missense variant is not expected to disrupt ALAS2 protein function. This variant has not been reported in the literature in individuals affected with ALAS2-related conditions. This variant is not present in population databases (gnomAD no frequency). This sequence change replaces glycine, which is neutral and non-polar, with glutamic acid, which is acidic and polar, at codon 80 of the ALAS2 protein (p.Gly80Glu).

NM_000032.5(ALAS2):c.239G>A (p.Gly80Glu)

Genes: ALAS2 (5'-aminolevulinate synthase 2; minus strand), LOC108663984 (ALAS2 intron 1 and 3 erythroid regulatory elements; plus strand). Cytogenetic location: Xp11.21.
Variant type: single nucleotide variant.
Coding change: c.239G>A on transcript NM_000032.5 (MANE Select); coding-DNA position 239, G replaced by A.
Protein change: p.Gly80Glu; replaces glycine 80 with glutamic acid.
Molecular consequence: missense variant.
Genome position (GRCh38, 1-based): chrX:55,024,783, C>T on the plus strand (G>A on the coding strand, the complement: ALAS2 is on the minus strand). VCF-style: chrX-55024783-C-T. GRCh37 (hg19) VCF-style: chrX-55051216-C-T.
Other names: c.239G>A, p.Gly80Glu (NM_001037967.4); c.311G>A, p.Gly104Glu (NM_001037968.4); c.239G>A (NM_000032.4); short protein forms G104E, G80E.
Identifiers: ClinVar variation 1907350 (VCV001907350.6), dbSNP rs776066917, ClinGen allele CA328975663.